The following is an entry in ClinVar:

ClinVar aggregate classification (germline): Benign (1 of 4 stars; one submission).

Allele frequency attached by ClinVar (database versions not stated): gnomAD 0.15311 and 0.15389; TOPMed 0.15788; 1000 Genomes Project 0.17552; 1000 Genomes Project 30x 0.17583.
gnomAD v4.1: 23,305 of 152,112 alleles (15%); highest among the groups gnomAD compares: East Asian, 26%; 1,972 homozygotes.

Submission:

GeneDx
Classification: Benign. Last evaluated: 2018-06-16. Review status: criteria provided, single submitter. Criteria: GeneDx Variant Classification (06012015). Collection method: clinical testing. Allele origin: germline. Affected: yes.
Comment: This variant is considered likely benign or benign based on one or more of the following criteria: it is a conservative change, it occurs at a poorly conserved position in the protein, it is predicted to be benign by multiple in silico algorithms, and/or has population frequency not consistent with disease.

NM_001080449.3(DNA2):c.719+301T>C

Gene: DNA2 (DNA replication helicase/nuclease 2; minus strand). Cytogenetic location: 10q21.3.
Variant type: single nucleotide variant.
Coding change: c.719+301T>C on transcript NM_001080449.3 (MANE Select); 301 bases into the intron after coding-DNA position 719, T replaced by C.
Molecular consequence: intron variant.
Genome position (GRCh38, 1-based): chr10:68,458,803, A>G on the plus strand (T>C on the coding strand, the complement: DNA2 is on the minus strand). VCF-style: chr10-68458803-A-G. GRCh37 (hg19) VCF-style: chr10-70218560-A-G.
Identifiers: ClinVar variation 670724 (VCV000670724.1), dbSNP rs10998197, ClinGen allele CA208223879.